The following is an entry in ClinVar:

NM_001386140.1(MTTP):c.334G>T (p.Gly112Ter)

Gene: MTTP (microsomal triglyceride transfer protein; plus strand). Cytogenetic location: 4q23.
Variant type: single nucleotide variant.
Coding change: c.334G>T on transcript NM_001386140.1 (MANE Select); coding-DNA position 334, G replaced by T.
Protein change: p.Gly112Ter; replaces glycine 112 with a stop codon.
Molecular consequence: nonsense.
Genome position (GRCh38, 1-based): chr4:99,583,458, G>T. VCF-style: chr4-99583458-G-T. GRCh37 (hg19) VCF-style: chr4-100504615-G-T.
Other names: c.334G>T, p.Gly112Ter (NM_000253.4); c.85G>T, p.Gly29Ter (NM_001300785.2); short protein forms G112*, G29*.
Identifiers: ClinVar variation 1726254 (VCV001726254.2), dbSNP rs2476090213, ClinGen allele CA357502304.

ClinVar aggregate classification (germline): Likely pathogenic (1 of 4 stars; one submission).

Conditions:
Abetalipoproteinaemia (ABL). Also called: MTP DEFICIENCY; Abetalipoproteinemia; Abetalipoproteinemia neuropathy; Apolipoprotein B deficiency; Congenital betalipoprotein deficiency syndrome. Identifiers: Orphanet 14, MedGen C0000744, MONDO:0008692, OMIM 200100, HP:0008181.

Submission:

Myriad Genetics, Inc.
Classification: Likely pathogenic for Abetalipoproteinaemia. Last evaluated: 2021-12-09. Review status: criteria provided, single submitter. Criteria: Myriad Women's Health Autosomal Recessive and X-Linked Classification Criteria (2021). Collection method: clinical testing. Allele origin: unknown.
Comment: NM_000253.2(MTTP):c.334G>T(G112*) is expected to be pathogenic in the context of abetalipoproteinemia. This variant is predicted to lead to an abnormal or absent protein product due to the creation of a premature termination codon in MTTP, a gene where loss-of-function variants are known to be pathogenic. Please note: this variant was assessed in the context of healthy population screening.